The following is an entry in ClinVar:

ClinVar aggregate classification (germline): Uncertain significance (1 of 4 stars; one submission).

Conditions:
Charcot-Marie-Tooth disease type 2E (CMT2E). Also called: CHARCOT-MARIE-TOOTH DISEASE, AXONAL, TYPE 2E; CHARCOT-MARIE-TOOTH NEUROPATHY, TYPE 2E. Identifiers: Orphanet 99939, MedGen C1843225, MONDO:0011894, OMIM 607684.

Submission:

Labcorp Genetics (formerly Invitae), Labcorp
Classification: Uncertain significance for Charcot-Marie-Tooth disease type 2E. Last evaluated: 2024-06-05. Review status: criteria provided, single submitter. Criteria: Invitae Variant Classification Sherloc (09022015). Collection method: clinical testing. Allele origin: germline.
Comment: This sequence change replaces glycine, which is neutral and non-polar, with serine, which is neutral and polar, at codon 190 of the NEFL protein (p.Gly190Ser). This variant is not present in population databases (gnomAD no frequency). This variant has not been reported in the literature in individuals affected with NEFL-related conditions. Advanced modeling of protein sequence and biophysical properties (such as structural, functional, and spatial information, amino acid conservation, physicochemical variation, residue mobility, and thermodynamic stability) performed at Invitae indicates that this missense variant is not expected to disrupt NEFL protein function with a negative predictive value of 80%. In summary, the available evidence is currently insufficient to determine the role of this variant in disease. Therefore, it has been classified as a Variant of Uncertain Significance.

NM_006158.5(NEFL):c.568G>A (p.Gly190Ser)

Gene: NEFL (neurofilament light chain; minus strand). Cytogenetic location: 8p21.2.
Variant type: single nucleotide variant.
Coding change: c.568G>A on transcript NM_006158.5 (MANE Select); coding-DNA position 568, G replaced by A.
Protein change: p.Gly190Ser; replaces glycine 190 with serine.
Molecular consequence: missense variant.
Genome position (GRCh38, 1-based): chr8:24,955,948, C>T on the plus strand (G>A on the coding strand, the complement: NEFL is on the minus strand). VCF-style: chr8-24955948-C-T. GRCh37 (hg19) VCF-style: chr8-24813462-C-T.
Other names: short protein forms G190S.
Identifiers: ClinVar variation 3655699 (VCV003655699.2).